The following is an entry in ClinVar:

ClinVar aggregate classification (germline): Likely benign (0 of 4 stars; one submission).

Conditions:
HTR2C-related disorder. Also called: HTR2C-related condition.

Allele frequency attached by ClinVar (database versions not stated): gnomAD exomes below 0.00001; TOPMed 0.00002.
gnomAD v4.1: 2 of 1,130,005 alleles (0.00018%); highest among the groups gnomAD compares: Non-Finnish European, 0.00012%; no homozygotes.

Submission:

PreventionGenetics, part of Exact Sciences
Classification: Likely benign for HTR2C-related condition. Last evaluated: 2023-07-06. Review status: no assertion criteria provided. Collection method: clinical testing. Allele origin: germline.
Comment: This variant is classified as likely benign based on ACMG/AMP sequence variant interpretation guidelines (Richards et al. 2015 PMID: 25741868, with internal and published modifications).

NM_000868.4(HTR2C):c.-7A>T

Gene: HTR2C (5-hydroxytryptamine receptor 2C; plus strand). Cytogenetic location: Xq23.
Variant type: single nucleotide variant.
Coding change: c.-7A>T on transcript NM_000868.4 (MANE Select); 7 bases upstream of the start codon, A replaced by T.
Molecular consequence: 5 prime UTR variant.
Genome position (GRCh38, 1-based): chrX:114,726,930, A>T. VCF-style: chrX-114726930-A-T. GRCh37 (hg19) VCF-style: chrX-113961339-A-T.
Other names: c.-7A>T (NM_001256760.3, NM_001256761.3).
Identifiers: ClinVar variation 3030979 (VCV003030979.2), dbSNP rs1232972236, ClinGen allele CA870286322.